The following is an entry in ClinVar:

NM_001059.3(TACR3):c.752T>A (p.Val251Asp)

Gene: TACR3 (tachykinin receptor 3; minus strand). Cytogenetic location: 4q24.
Variant type: single nucleotide variant.
Coding change: c.752T>A on transcript NM_001059.3 (MANE Select); coding-DNA position 752, T replaced by A.
Protein change: p.Val251Asp; replaces valine 251 with aspartic acid.
Molecular consequence: missense variant.
Genome position (GRCh38, 1-based): chr4:103,656,330, A>T on the plus strand (T>A on the coding strand, the complement: TACR3 is on the minus strand). VCF-style: chr4-103656330-A-T. GRCh37 (hg19) VCF-style: chr4-104577487-A-T.
Other names: short protein forms V251D.
Identifiers: ClinVar variation 4744604 (VCV004744604.1).
Genomic context (GRCh38, chr4:103,656,330, plus strand): 5'-CCAACAATGGTGTATGTAATACCCATGATGAGCAATGGGAAACAGTACACCAGTATAATG[A>T]CGATAATATGGTAACTATGAAAAATAAGAAAAACACATGCTGAAGACCTTATTGGAATGA-3'
Protein context (NP_001050.1, residues 241-261): PKQHFTYHII[Val251Asp]IILVYCFPLL

ClinVar aggregate classification (germline): Uncertain significance (1 of 4 stars; one submission).

Submission:

Labcorp Genetics (formerly Invitae), Labcorp
Classification: Uncertain significance. Last evaluated: 2025-06-29. Review status: criteria provided, single submitter. Criteria: Invitae Variant Classification Sherloc (09022015). Collection method: clinical testing. Allele origin: germline.
Comment: This sequence change replaces valine, which is neutral and non-polar, with aspartic acid, which is acidic and polar, at codon 251 of the TACR3 protein (p.Val251Asp). This variant is not present in population databases (gnomAD no frequency). This missense change has been observed in individual(s) with hypogonadotropic hypogonadism (internal data). In at least one individual the data is consistent with being in trans (on the opposite chromosome) from a pathogenic variant. Invitae Evidence Modeling of protein sequence and biophysical properties (such as structural, functional, and spatial information, amino acid conservation, physicochemical variation, residue mobility, and thermodynamic stability) has been performed for this missense variant. However, the output from this modeling did not meet the statistical confidence thresholds required to predict the impact of this variant on TACR3 protein function. In summary, the available evidence is currently insufficient to determine the role of this variant in disease. Therefore, it has been classified as a Variant of Uncertain Significance.